The following is an entry in ClinVar:

ClinVar aggregate classification (germline): Likely benign (1 of 4 stars; one submission).

Allele frequency attached by ClinVar (database versions not stated): TOPMed 0.00010; ESP Exome Variant Server 0.00015.
gnomAD v4.1: 281 of 1,604,520 alleles (0.018%); highest among the groups gnomAD compares: Non-Finnish European, 0.022%; no homozygotes.

Submission:

GeneDx
Classification: Likely benign. Last evaluated: 2017-03-20. Review status: criteria provided, single submitter. Criteria: GeneDx Variant Classification (06012015). Collection method: clinical testing. Allele origin: germline. Affected: yes.
Comment: This variant is considered likely benign or benign based on one or more of the following criteria: it is a conservative change, it occurs at a poorly conserved position in the protein, it is predicted to be benign by multiple in silico algorithms, and/or has population frequency not consistent with disease.

NM_020381.4(PDSS2):c.-30C>T

Gene: PDSS2 (decaprenyl diphosphate synthase subunit 2; minus strand). Cytogenetic location: 6q21.
Variant type: single nucleotide variant.
Coding change: c.-30C>T on transcript NM_020381.4 (MANE Select); 30 bases upstream of the start codon, C replaced by T.
Molecular consequence: 5 prime UTR variant.
Genome position (GRCh38, 1-based): chr6:107,459,315, G>A on the plus strand (C>T on the coding strand, the complement: PDSS2 is on the minus strand). VCF-style: chr6-107459315-G-A. GRCh37 (hg19) VCF-style: chr6-107780519-G-A.
Identifiers: ClinVar variation 507867 (VCV000507867.1), dbSNP rs377429535, ClinGen allele CA3946221.